The following is an entry in ClinVar:

NM_015937.6(PIGT):c.1266G>A (p.Arg422=)

Gene: PIGT (phosphatidylinositol glycan anchor biosynthesis class T; plus strand). Cytogenetic location: 20q13.12.
Variant type: single nucleotide variant.
Coding change: c.1266G>A on transcript NM_015937.6 (MANE Select); coding-DNA position 1266, G replaced by A.
Protein change: p.Arg422=; no amino-acid change (arginine 422 retained).
Molecular consequence: synonymous variant. On other transcripts: non-coding transcript variant (5).
Genome position (GRCh38, 1-based): chr20:45,424,247, G>A. VCF-style: chr20-45424247-G-A. GRCh37 (hg19) VCF-style: chr20-44052887-G-A.
Other names: c.1098G>A, p.Arg366= (NM_001184728.3); c.1065G>A, p.Arg355= (NM_001184729.3); c.960G>A, p.Arg320= (NM_001184730.3).
Identifiers: ClinVar variation 1979722 (VCV001979722.18), dbSNP rs2515558002, ClinGen allele CA510747418.

ClinVar aggregate classification (germline): Likely benign. Review status: criteria provided, multiple submitters, no conflicts (2 of 4 stars). 2 submissions from 2 submitters: Likely benign (2). Last evaluated 2024-09-01.

Conditions:
Multiple congenital anomalies-hypotonia-seizures syndrome 3 (MCAHS3). Also called: GLYCOSYLPHOSPHATIDYLINOSITOL BIOSYNTHESIS DEFECT 7. Identifiers: Orphanet 369837, MedGen C3809356, MONDO:0014165, OMIM 615398.

Submissions (2):

CeGaT Center for Human Genetics Tuebingen
Classification: Likely benign. Last evaluated: 2024-09-01. Review status: criteria provided, single submitter. Criteria: CeGaT Center For Human Genetics Tuebingen Variant Classification Criteria Version 2. Collection method: clinical testing. Allele origin: germline. Affected: yes. Observed: 1 variant allele.
Comment: PIGT: PM2:Supporting, BP4, BP7

Labcorp Genetics (formerly Invitae), Labcorp
Classification: Likely benign for Multiple congenital anomalies-hypotonia-seizures syndrome 3. Last evaluated: 2022-03-25. Review status: criteria provided, single submitter. Criteria: Invitae Variant Classification Sherloc (09022015). Collection method: clinical testing. Allele origin: germline.